The following is an entry in ClinVar:

ClinVar aggregate classification (germline): Uncertain significance (1 of 4 stars; one submission).

Conditions:
Intellectual developmental disorder, autosomal recessive 37. Also called: Intellectual disability-hypotonia-spasticity-sleep disorder syndrome. Identifiers: Orphanet 356996, MedGen C3809672, MONDO:0014210, OMIM 615493.

Allele frequency attached by ClinVar (database versions not stated): gnomAD 0.00001; TOPMed 0.00001.
gnomAD v4.1: 38 of 1,613,958 alleles (0.0024%); highest among the groups gnomAD compares: Non-Finnish European, 0.0029%; no homozygotes.

Submission:

Center for Genomics, Ann and Robert H. Lurie Children's Hospital of Chicago
Classification: Uncertain significance for Intellectual developmental disorder, autosomal recessive 37. Last evaluated: 2021-03-30. Review status: criteria provided, single submitter. Criteria: ACMG Guidelines, 2015. Collection method: clinical testing. Allele origin: germline.
Comment: ANK3 NM_020987.4 exon 37 p.His2652Tyr (c.7954C>T): This variant has not been reported in the literature but is present in 0.005% (1/18366) of East Asian alleles in the Genome Aggregation Database. This variant amino acid (Tyr) is present in >10 species including multiple birds and reptiles, and it is not well conserved among evolutionarily distant species; this suggests that this variant may not impact the protein. Additional computational prediction tools do not suggest an impact. In summary, data on this variant is insufficient for disease classification. Therefore, the clinical significance of this variant is uncertain.

NM_020987.5(ANK3):c.7954C>T (p.His2652Tyr)

Gene: ANK3 (ankyrin 3; minus strand). Cytogenetic location: 10q21.2.
Variant type: single nucleotide variant.
Coding change: c.7954C>T on transcript NM_020987.5 (MANE Select); coding-DNA position 7954, C replaced by T.
Protein change: p.His2652Tyr; replaces histidine 2652 with tyrosine.
Molecular consequence: missense variant. On other transcripts: intron variant (4).
Genome position (GRCh38, 1-based): chr10:60,072,927, G>A on the plus strand (C>T on the coding strand, the complement: ANK3 is on the minus strand). VCF-style: chr10-60072927-G-A. GRCh37 (hg19) VCF-style: chr10-61832685-G-A.
Other names: c.4388-4918C>T (NM_001204403.2); c.4409-4918C>T (NM_001204404.2); c.4406-4918C>T (NM_001320874.2); c.1808-4918C>T (NM_001149.4); short protein forms H2652Y.
Identifiers: ClinVar variation 2500054 (VCV002500054.1), dbSNP rs1033589455, ClinGen allele CA207325576.
Genomic context (GRCh38, chr10:60,072,927, plus strand): 5'-TGCTGGGCAGACTGGGTGCCTTCTCCTCGGCCTTGGGGAAGCCTTGTCCATCAGGGCCAT[G>A]CTGTCTTGCCTTAACCCACTCATCATTGGATGCCAGCAGTTCTGTCAGTAGCACTTTCTC-3'
Protein context (NP_066267.2, residues 2642-2662): SNDEWVKARQ[His2652Tyr]GPDGQGFPKA